The following is an entry in ClinVar:

ClinVar aggregate classification (germline): Uncertain significance (1 of 4 stars; one submission).

Conditions:
Neurofibromatosis, type 1 (NF1). Also called: VON RECKLINGHAUSEN DISEASE; NEUROFIBROMATOSIS, TYPE I, SOMATIC; Peripheral type neurofibromatosis; Neurofibromatosis, type I. Identifiers: Orphanet 636, MedGen C0027831, MONDO:0018975, OMIM 162200. Disease mechanism: loss of function.

Submission:

Labcorp Genetics (formerly Invitae), Labcorp
Classification: Uncertain significance for Neurofibromatosis, type 1. Last evaluated: 2022-04-13. Review status: criteria provided, single submitter. Criteria: Invitae Variant Classification Sherloc (09022015). Collection method: clinical testing. Allele origin: germline.
Comment: In summary, the available evidence is currently insufficient to determine the role of this variant in disease. Therefore, it has been classified as a Variant of Uncertain Significance. Advanced modeling of protein sequence and biophysical properties (such as structural, functional, and spatial information, amino acid conservation, physicochemical variation, residue mobility, and thermodynamic stability) performed at Invitae indicates that this missense variant is expected to disrupt NF1 protein function. ClinVar contains an entry for this variant (Variation ID: 658675). This sequence change replaces lysine, which is basic and polar, with isoleucine, which is neutral and non-polar, at codon 1680 of the NF1 protein (p.Lys1680Ile). This variant is not present in population databases (gnomAD no frequency). This variant has not been reported in the literature in individuals affected with NF1-related conditions.

NM_001042492.3(NF1):c.5102A>T (p.Lys1701Ile)

Gene: NF1 (neurofibromin 1; plus strand). Cytogenetic location: 17q11.2.
Variant type: single nucleotide variant.
Coding change: c.5102A>T on transcript NM_001042492.3 (MANE Select); coding-DNA position 5102, A replaced by T.
Protein change: p.Lys1701Ile; replaces lysine 1701 with isoleucine.
Molecular consequence: missense variant.
Genome position (GRCh38, 1-based): chr17:31,326,086, A>T. VCF-style: chr17-31326086-A-T. GRCh37 (hg19) VCF-style: chr17-29653104-A-T.
Other names: c.5039A>T, p.Lys1680Ile (NM_000267.4); short protein forms K1701I, K1680I.
Identifiers: ClinVar variation 658675 (VCV000658675.5), dbSNP rs1597830021, ClinGen allele CA399007592.
Genomic context (GRCh38, chr17:31,326,086, plus strand): 5'-ACTGTAACTCCTGGGTCAGGGAGTACACCAAGTATCATGAGCGGCTGCTGACTGGCCTCA[A>T]AGGTAGCAAAAGGCTTGTTTTCATAGACTGTCCTGGGAAACTGGCTGAGCACATAGAGCA-3'
Protein context (NP_001035957.1, residues 1691-1711): KYHERLLTGL[Lys1701Ile]GSKRLVFIDC